The following is an entry in ClinVar:

ClinVar aggregate classification (germline): Uncertain significance (1 of 4 stars; one submission).

Conditions:
Aortic aneurysm, familial thoracic 4 (AAT4). Also called: AORTIC ANEURYSM/AORTIC DISSECTION AND PATENT DUCTUS ARTERIOSUS. Identifiers: MedGen C1851504, MONDO:0007568, OMIM 132900.

Submission:

Labcorp Genetics (formerly Invitae), Labcorp
Classification: Uncertain significance for Aortic aneurysm, familial thoracic 4. Last evaluated: 2024-10-13. Review status: criteria provided, single submitter. Criteria: Invitae Variant Classification Sherloc (09022015). Collection method: clinical testing. Allele origin: germline.
Comment: This sequence change replaces threonine, which is neutral and polar, with alanine, which is neutral and non-polar, at codon 1020 of the MYH11 protein (p.Thr1020Ala). This variant is not present in population databases (gnomAD no frequency). This variant has not been reported in the literature in individuals affected with MYH11-related conditions. Invitae Evidence Modeling of protein sequence and biophysical properties (such as structural, functional, and spatial information, amino acid conservation, physicochemical variation, residue mobility, and thermodynamic stability) indicates that this missense variant is not expected to disrupt MYH11 protein function with a negative predictive value of 95%. In summary, the available evidence is currently insufficient to determine the role of this variant in disease. Therefore, it has been classified as a Variant of Uncertain Significance.

NM_002474.3(MYH11):c.3037A>G (p.Thr1013Ala)

Gene: MYH11 (myosin heavy chain 11; minus strand). Cytogenetic location: 16p13.11.
Variant type: single nucleotide variant.
Coding change: c.3037A>G on transcript NM_002474.3 (MANE Select); coding-DNA position 3037, A replaced by G.
Protein change: p.Thr1013Ala; replaces threonine 1013 with alanine.
Molecular consequence: missense variant.
Genome position (GRCh38, 1-based): chr16:15,738,649, T>C on the plus strand (A>G on the coding strand, the complement: MYH11 is on the minus strand). VCF-style: chr16-15738649-T-C. GRCh37 (hg19) VCF-style: chr16-15832506-T-C.
Other names: c.3058A>G, p.Thr1020Ala (NM_001040113.2, NM_001040114.2); c.3037A>G, p.Thr1013Ala (NM_022844.3); short protein forms T1020A, T1013A.
Identifiers: ClinVar variation 3681593 (VCV003681593.2).